The following is an entry in ClinVar:

ClinVar aggregate classification (germline): Pathogenic (1 of 4 stars; one submission).

Conditions:
Duchenne muscular dystrophy (DMD). Also called: Duchenne Muscular Dystrophy (DMD); MUSCULAR DYSTROPHY, PSEUDOHYPERTROPHIC PROGRESSIVE, DUCHENNE TYPE. Identifiers: Orphanet 98896, MedGen C0013264, MONDO:0010679, OMIM 310200.

Submission:

Labcorp Genetics (formerly Invitae), Labcorp
Classification: Pathogenic for Duchenne muscular dystrophy. Last evaluated: 2022-07-19. Review status: criteria provided, single submitter. Criteria: Invitae Variant Classification Sherloc (09022015). Collection method: clinical testing. Allele origin: germline.
Comment: For these reasons, this variant has been classified as Pathogenic. A similar copy number variant has been observed in individuals with Duchenne muscular dystrophy (PMID: 17854090, 31705731). This variant results in a copy number gain of the genomic region encompassing exon(s) 44-51 of the DMD gene. While the exact position of this variant cannot be determined from the data, sub-genic copy number gains are generally in tandem (PMID: 25640679). This variant is predicted to be out-of-frame, and may result in an absent or disrupted protein product. Loss-of-function variants in DMD are known to be pathogenic (PMID: 16770791, 25007885).

Literature cited by the submitters: PubMed 17854090; PubMed 31705731; PubMed 25640679; PubMed 16770791; PubMed 25007885.

NC_000023.10:g.(?_31792057)_(32235200_?)dup

Gene: DMD (dystrophin; minus strand). Cytogenetic location: Xp21.1.
Variant type: Duplication.
Identifiers: ClinVar variation 2424971 (VCV002424971.5).